The following is an entry in ClinVar:

ClinVar aggregate classification (germline): Uncertain significance (1 of 4 stars; one submission).

Conditions:
Familial adenomatous polyposis 1 (FAP1). Also called: FAMILIAL ADENOMATOUS POLYPOSIS 1, ATTENUATED; POLYPOSIS, ADENOMATOUS INTESTINAL. Identifiers: MedGen C2713442, MONDO:0021056, OMIM 175100. Disease mechanism: loss of function.

Submission:

Labcorp Genetics (formerly Invitae), Labcorp
Classification: Uncertain significance for Familial adenomatous polyposis 1. Last evaluated: 2022-02-22. Review status: criteria provided, single submitter. Criteria: Invitae Variant Classification Sherloc (09022015). Collection method: clinical testing. Allele origin: germline.
Comment: This sequence change replaces glutamic acid, which is acidic and polar, with aspartic acid, which is acidic and polar, at codon 601 of the APC protein (p.Glu601Asp). This variant is not present in population databases (gnomAD no frequency). This variant has not been reported in the literature in individuals affected with APC-related conditions. Algorithms developed to predict the effect of missense changes on protein structure and function are either unavailable or do not agree on the potential impact of this missense change (SIFT: "Deleterious"; PolyPhen-2: "Benign"; Align-GVGD: "Class C15"). In summary, the available evidence is currently insufficient to determine the role of this variant in disease. Therefore, it has been classified as a Variant of Uncertain Significance.

NM_000038.6(APC):c.1803G>T (p.Glu601Asp)

Gene: APC (APC regulator of Wnt signaling pathway; plus strand). Cytogenetic location: 5q22.2.
Variant type: single nucleotide variant.
Coding change: c.1803G>T on transcript NM_000038.6 (MANE Select); coding-DNA position 1803, G replaced by T.
Protein change: p.Glu601Asp; replaces glutamic acid 601 with aspartic acid.
Molecular consequence: missense variant.
Genome position (GRCh38, 1-based): chr5:112,835,010, G>T. VCF-style: chr5-112835010-G-T. GRCh37 (hg19) VCF-style: chr5-112170707-G-T.
Other names: c.1803G>T, p.Glu601Asp (NM_001127510.3, NM_001354895.2, NM_001407450.1); c.1749G>T, p.Glu583Asp (NM_001127511.3); c.1857G>T, p.Glu619Asp (NM_001354896.2, NM_001407447.1, NM_001407448.1 and 1 more transcripts); c.1833G>T, p.Glu611Asp (NM_001354897.2); c.1728G>T, p.Glu576Asp (NM_001354898.2); c.1719G>T, p.Glu573Asp (NM_001354899.2); c.1680G>T, p.Glu560Asp (NM_001354900.2); c.1626G>T, p.Glu542Asp (NM_001354901.2, NM_001407453.1); and 11 more; short protein forms E441D, E472D, E542D, E591D, E594D, E611D, E217D, E475D.
Identifiers: ClinVar variation 2101397 (VCV002101397.4), dbSNP rs1447250546, ClinGen allele CA16025265.